The following is an entry in ClinVar:

NM_002223.4(ITPR2):c.3485T>G (p.Val1162Gly)

Gene: ITPR2 (inositol 1,4,5-trisphosphate receptor type 2; minus strand). Cytogenetic location: 12p11.23.
Variant type: single nucleotide variant.
Coding change: c.3485T>G on transcript NM_002223.4 (MANE Select); coding-DNA position 3485, T replaced by G.
Protein change: p.Val1162Gly; replaces valine 1162 with glycine.
Molecular consequence: missense variant.
Genome position (GRCh38, 1-based): chr12:26,602,684, A>C on the plus strand (T>G on the coding strand, the complement: ITPR2 is on the minus strand). VCF-style: chr12-26602684-A-C. GRCh37 (hg19) VCF-style: chr12-26755617-A-C.
Other names: c.3485T>G (NM_002223.3); short protein forms V1162G.
Identifiers: ClinVar variation 444286 (VCV000444286.45), dbSNP rs61757114, ClinGen allele CA6489280.

ClinVar aggregate classification (germline): Uncertain significance. Review status: criteria provided, multiple submitters, no conflicts (2 of 4 stars). 3 submissions from 3 submitters: Uncertain significance (2). 1 of the submissions does not count toward it. Last evaluated 2017-02-01.

Conditions:
ITPR2-related disorder. Also called: ITPR2-related condition.

Allele frequency attached by ClinVar (database versions not stated): TOPMed 0.00072; gnomAD 0.00079 and 0.00085; gnomAD exomes 0.00084 and 0.00134; ExAC 0.00088; ESP Exome Variant Server 0.00101.
gnomAD v4.1: 2,036 of 1,603,300 alleles (0.13%); highest among the groups gnomAD compares: Non-Finnish European, 0.15%; 2 homozygotes.

Submissions (3):

CeGaT Center for Human Genetics Tuebingen
Classification: Uncertain significance. Last evaluated: 2017-02-01. Review status: criteria provided, single submitter. Criteria: CeGaT Center For Human Genetics Tuebingen Variant Classification Criteria Version 2. Collection method: clinical testing. Allele origin: germline. Affected: yes. Observed: 1 variant allele.

Breakthrough Genomics
Classification: Uncertain significance. Review status: criteria provided, single submitter. Criteria: ACMG Guidelines, 2015. Collection method: not provided. Allele origin: germline. Inheritance: Autosomal recessive inheritance. Affected: yes.

PreventionGenetics, part of Exact Sciences
Classification: Likely benign for ITPR2-related condition. Last evaluated: 2022-02-15. Review status: no assertion criteria provided. Collection method: clinical testing. Allele origin: germline. Not counted in ClinVar's aggregate classification.
Comment: This variant is classified as likely benign based on ACMG/AMP sequence variant interpretation guidelines (Richards et al. 2015 PMID: 25741868, with internal and published modifications).